The following is an entry in ClinVar:

NM_000369.5(TSHR):c.1954C>A (p.Pro652Thr)

Genes: TSHR (thyroid stimulating hormone receptor; plus strand), TSHR-AS1 (TSHR antisense RNA 1; minus strand). Cytogenetic location: 14q31.1.
Variant type: single nucleotide variant.
Coding change: c.1954C>A on transcript NM_000369.5 (MANE Select); coding-DNA position 1954, C replaced by A.
Protein change: p.Pro652Thr; replaces proline 652 with threonine.
Molecular consequence: missense variant.
Genome position (GRCh38, 1-based): chr14:81,144,012, C>A. VCF-style: chr14-81144012-C-A. GRCh37 (hg19) VCF-style: chr14-81610356-C-A.
Other names: short protein forms P652T.
Identifiers: ClinVar variation 3370581 (VCV003370581.1).

ClinVar aggregate classification (germline): Uncertain significance (1 of 4 stars; one submission).

gnomAD v4.1: 1 of 1,614,176 alleles (0.000062%); highest among the groups gnomAD compares: African/African-American, 0.0013%; no homozygotes.

Submission:

GeneDx
Classification: Uncertain significance. Last evaluated: 2024-03-05. Review status: criteria provided, single submitter. Criteria: GeneDx Variant Classification Process June 2021. Collection method: clinical testing. Allele origin: germline. Affected: yes.
Comment: Not observed at significant frequency in large population cohorts (gnomAD); In silico analysis supports that this missense variant has a deleterious effect on protein structure/function; Has not been previously published as pathogenic or benign to our knowledge